The following is an entry in ClinVar:

ClinVar aggregate classification (germline): Uncertain significance (1 of 4 stars; one submission).

Conditions:
TSC2-related disorder. Also called: TSC2-related condition; TSC2-Related Disorders.

gnomAD v4.1: 1 of 1,613,702 alleles (0.000062%); highest among the groups gnomAD compares: South Asian, 0.0011%; no homozygotes.

Submission:

PreventionGenetics, part of Exact Sciences
Classification: Uncertain significance for TSC2-related condition. Last evaluated: 2025-08-07. Review status: criteria provided, single submitter. Criteria: ACMG Guidelines, 2015. Collection method: clinical testing. Allele origin: germline.
Comment: The TSC2 c.14C>G variant is predicted to result in the amino acid substitution p.Ser5Cys. On an alternate transcript NM_000548 this variant is referred to as c.-20C>G (Pre-Coding). To our knowledge, this variant has not been reported in the literature or in a large population database (gnomAD), indicating this variant is rare. At this time, the clinical significance of this variant is uncertain due to the absence of conclusive functional and genetic evidence.

NM_000548.5(TSC2):c.-20C>G

Gene: TSC2 (TSC complex subunit 2; plus strand). Cytogenetic location: 16p13.3.
Variant type: single nucleotide variant.
Coding change: c.-20C>G on transcript NM_000548.5 (MANE Select); 20 bases upstream of the start codon, C replaced by G.
Molecular consequence: 5 prime UTR variant. On other transcripts: missense variant (1), non-coding transcript variant (5), intron variant (6).
Genome position (GRCh38, 1-based): chr16:2,048,596, C>G. VCF-style: chr16-2048596-C-G. GRCh37 (hg19) VCF-style: chr16-2098597-C-G.
Other names: c.-20C>G (NM_001077183.3, NM_001114382.3, NM_001318827.2 and 13 more transcripts); c.-246C>G (NM_001318831.2, NM_001406682.1, NM_001406684.1 and 2 more transcripts); c.14C>G, p.Ser5Cys (NM_001318832.2); c.-836C>G (NM_001406680.1, NM_001406683.1, NM_001406687.1); c.-465C>G (NM_001406681.1); c.-1451C>G (NM_001406689.1, NM_001406690.1, NM_001406691.1 and 2 more transcripts); c.-1757C>G (NM_001406693.1); c.-1332C>G (NM_001406694.1, NM_001406695.1); and 4 more; short protein forms S5C.
Identifiers: ClinVar variation 4990071 (VCV004990071.1).
Genomic context (GRCh38, chr16:2,048,596, plus strand): 5'-GGTGGGCAGAGGTGTTGCTCAGATGTCCCCATTCCTGTTTCGTTTGCACAGAGGGGTTTT[C>G]TGGTGCGTCCTGGTCCACCATGGCCAAACCAACAAGCAAAGATTCAGGCTTGAAGGAGAA-3'